The following is an entry in ClinVar:

ClinVar aggregate classification (germline): Uncertain significance. Review status: criteria provided, multiple submitters, no conflicts (2 of 4 stars). 3 submissions from 3 submitters: Uncertain significance (3). Last evaluated 2026-04-14.

Conditions:
Inborn genetic diseases. Identifiers: MedGen C0950123, MeSH D030342.
Myofibrillar myopathy 3 (MFM3). Also called: Muscular dystrophy, proximal, type 1A; Autosomal dominant spheroid body myopathy. Identifiers: Orphanet 266, Orphanet 268129, MedGen C3714934, MONDO:0012215, OMIM 609200.

Allele frequency attached by ClinVar (database versions not stated): TOPMed 0.00002; gnomAD 0.00001; ExAC 0.00002; ESP Exome Variant Server 0.00008; gnomAD exomes 0.00001.
gnomAD v4.1: 9 of 1,613,968 alleles (0.00056%); highest among the groups gnomAD compares: African/African-American, 0.004%; no homozygotes.

Submissions (3):

Ambry Genetics
Classification: Uncertain significance for Inborn genetic diseases. Last evaluated: 2026-04-14. Review status: criteria provided, single submitter. Criteria: Ambry Variant Classification Scheme 2023. Collection method: clinical testing. Allele origin: germline.

Labcorp Genetics (formerly Invitae), Labcorp
Classification: Uncertain significance for Myofibrillar myopathy 3. Last evaluated: 2022-11-09. Review status: criteria provided, single submitter. Criteria: Invitae Variant Classification Sherloc (09022015). Collection method: clinical testing. Allele origin: germline.
Comment: This sequence change replaces glutamic acid, which is acidic and polar, with alanine, which is neutral and non-polar, at codon 155 of the MYOT protein (p.Glu155Ala). This variant is present in population databases (rs148166751, gnomAD 0.01%). This variant has not been reported in the literature in individuals affected with MYOT-related conditions. ClinVar contains an entry for this variant (Variation ID: 598678). Advanced modeling of protein sequence and biophysical properties (such as structural, functional, and spatial information, amino acid conservation, physicochemical variation, residue mobility, and thermodynamic stability) performed at Invitae indicates that this missense variant is not expected to disrupt MYOT protein function. In summary, the available evidence is currently insufficient to determine the role of this variant in disease. Therefore, it has been classified as a Variant of Uncertain Significance.

Eurofins Ntd Llc (ga)
Classification: Uncertain significance. Last evaluated: 2018-09-12. Review status: criteria provided, single submitter. Criteria: EGL ClinVar v180209 classification definitions. Collection method: clinical testing. Allele origin: germline. Observed: 1 variant allele, 1 heterozygote.

NM_006790.3(MYOT):c.464A>C (p.Glu155Ala)

Genes: PKD2L2-DT (PKD2L2 divergent transcript; minus strand), MYOT (myotilin; plus strand). Cytogenetic location: 5q31.2.
Variant type: single nucleotide variant.
Coding change: c.464A>C on transcript NM_006790.3 (MANE Select); coding-DNA position 464, A replaced by C.
Protein change: p.Glu155Ala; replaces glutamic acid 155 with alanine.
Molecular consequence: missense variant. On other transcripts: 5 prime UTR variant (1).
Genome position (GRCh38, 1-based): chr5:137,875,936, A>C. VCF-style: chr5-137875936-A-C. GRCh37 (hg19) VCF-style: chr5-137211625-A-C.
Other names: c.119A>C, p.Glu40Ala (NM_001300911.2); c.-89A>C (NM_001135940.2); c.464A>C (NM_006790.2); short protein forms E155A, E40A.
Identifiers: ClinVar variation 598678 (VCV000598678.14), dbSNP rs148166751, ClinGen allele CA3422917.